The following is an entry in ClinVar:

NM_002109.6(HARS1):c.4del (p.Ala2fs)

Genes: HARS1 (histidyl-tRNA synthetase 1; minus strand), LOC129994848 (ATAC-STARR-seq lymphoblastoid active region 23285; plus strand). Cytogenetic location: 5q31.3.
Variant type: Deletion.
Coding change: c.4del on transcript NM_002109.6 (MANE Select); coding-DNA position 4, one base deleted (G; older notation c.4delG).
Protein change: p.Ala2fs; shifts the reading frame from alanine 2.
Molecular consequence: frameshift variant, initiator codon variant. On other transcripts: splice donor variant (1).
Genome position (GRCh38, 1-based): chr5:140,691,301, C deleted on the plus strand (G on the coding strand, the reverse complement: HARS1 is on the minus strand); the first of 2 consecutive C bases (chr5:140,691,301-140,691,302); deleting either gives the same sequence. VCF-style (leftmost placement, unchanged base first): chr5-140691300-GC-G. GRCh37 (hg19) VCF-style: chr5-140070885-GC-G.
Other names: c.4del, p.Ala2fs (NM_001258040.3, NM_001258041.3, NM_001258042.3 and 2 more transcripts); c.3+1del (NM_001289094.2); short protein forms A2fs.
Identifiers: ClinVar variation 2768013 (VCV002768013.3), dbSNP rs2481344958, ClinGen allele CA2697546535.

ClinVar aggregate classification (germline): Uncertain significance (1 of 4 stars; one submission).

Conditions:
Usher syndrome type 3B. Also called: USHER SYNDROME, TYPE IIIB. Identifiers: MedGen C3281066, MONDO:0013788, OMIM 614504.

Submission:

Labcorp Genetics (formerly Invitae), Labcorp
Classification: Uncertain significance for Usher syndrome type 3B. Last evaluated: 2023-10-13. Review status: criteria provided, single submitter. Criteria: Invitae Variant Classification Sherloc (09022015). Collection method: clinical testing. Allele origin: germline.
Comment: This sequence change creates a premature translational stop signal (p.Ala2Glnfs*10) in the HARS gene. It is expected to result in an absent or disrupted protein product. However, the current clinical and genetic evidence is not sufficient to establish whether loss-of-function variants in HARS cause disease. This variant is not present in population databases (gnomAD no frequency). This variant has not been reported in the literature in individuals affected with HARS-related conditions. In summary, the available evidence is currently insufficient to determine the role of this variant in disease. Therefore, it has been classified as a Variant of Uncertain Significance.